The following is an entry in ClinVar:

ClinVar aggregate classification (germline): Conflicting classifications of pathogenicity. Review status: criteria provided, conflicting classifications (1 of 4 stars). 7 submissions from 7 submitters: Uncertain significance (5); Benign (1). 1 of the submissions does not count toward it. Last evaluated 2025-08-26.

Conditions:
NF1-related disorder. Also called: NF1-related condition. Identifiers: MedGen CN379171.
Neurofibromatosis, type 1 (NF1). Also called: VON RECKLINGHAUSEN DISEASE; NEUROFIBROMATOSIS, TYPE I, SOMATIC; Peripheral type neurofibromatosis; Neurofibromatosis, type I. Identifiers: Orphanet 636, MedGen C0027831, MONDO:0018975, OMIM 162200. Disease mechanism: loss of function.
Juvenile myelomonocytic leukemia (JMML). Also called: LEUKEMIA, JUVENILE MYELOMONOCYTIC, SOMATIC. Identifiers: Orphanet 86834, MedGen C0349639, MONDO:0011908, OMIM 607785, HP:0012209.
Café-au-lait macules with pulmonary stenosis (WTSN). Also called: PULMONIC STENOSIS WITH CAFE-AU-LAIT SPOTS. Identifiers: MedGen C0553586, MONDO:0008672, OMIM 193520.
Neurofibromatosis-Noonan syndrome (NFNS). Also called: NEUROFIBROMATOSIS WITH NOONAN PHENOTYPE. Identifiers: Orphanet 638, MedGen C2931482, MONDO:0011035, OMIM 601321. Disease mechanism: loss of function.
Neurofibromatosis, familial spinal (FSNF). Identifiers: Orphanet 636, MedGen C1834235, MONDO:0008078, OMIM 162210. Disease mechanism: loss of function.
Cardiovascular phenotype. Identifiers: MedGen CN230736.
Hereditary cancer-predisposing syndrome. Also called: Neoplastic Syndromes, Hereditary; Tumor predisposition; Hereditary neoplastic syndrome; Hereditary Cancer Syndrome. Identifiers: Orphanet 140162, MedGen C0027672, MeSH D009386, MONDO:0015356.

Allele frequency attached by ClinVar (database versions not stated): gnomAD exomes below 0.00001; gnomAD 0.00003 and 0.00004; TOPMed 0.00004.

Submissions (7):

Quest Diagnostics Nichols Institute San Juan Capistrano
Classification: Uncertain significance. Last evaluated: 2025-08-26. Review status: criteria provided, single submitter. Criteria: Quest Diagnostics criteria. Collection method: clinical testing. Allele origin: unknown.

Labcorp Genetics (formerly Invitae), Labcorp
Classification: Benign for Neurofibromatosis, type 1. Last evaluated: 2025-04-13. Review status: criteria provided, single submitter. Criteria: Invitae Variant Classification Sherloc (09022015). Collection method: clinical testing. Allele origin: germline.

Fulgent Genetics
Classification: Uncertain significance for Neurofibromatosis, type 1; Neurofibromatosis, familial spinal; Café-au-lait macules with pulmonary stenosis; Neurofibromatosis-Noonan syndrome; Juvenile myelomonocytic leukemia. Last evaluated: 2024-03-20. Review status: criteria provided, single submitter. Criteria: ACMG Guidelines, 2015. Collection method: clinical testing. Allele origin: germline.

Ambry Genetics
Classification: Uncertain significance for Cardiovascular phenotype; Hereditary cancer-predisposing syndrome. Last evaluated: 2023-12-07. Review status: criteria provided, single submitter. Criteria: Ambry Variant Classification Scheme 2023. Collection method: clinical testing. Allele origin: germline.
Comment: The p.H1316R variant (also known as c.3947A>G), located in coding exon 29 of the NF1 gene, results from an A to G substitution at nucleotide position 3947. The histidine at codon 1316 is replaced by arginine, an amino acid with highly similar properties. This amino acid position is well conserved in available vertebrate species. In addition, the in silico prediction for this alteration is inconclusive. Since supporting evidence is limited at this time, the clinical significance of this alteration remains unclear.

Genome-Nilou Lab
Classification: Uncertain significance for Neurofibromatosis, type 1. Last evaluated: 2022-03-15. Review status: criteria provided, single submitter. Criteria: ACMG Guidelines, 2015. Collection method: clinical testing. Allele origin: germline. Affected: no.

GeneDx
Classification: Uncertain significance. Last evaluated: 2018-02-05. Review status: criteria provided, single submitter. Criteria: GeneDx Variant Classification (06012015). Collection method: clinical testing. Allele origin: germline. Affected: yes.
Comment: This variant is denoted NF1 c.3947A>G at the cDNA level, p.His1316Arg (H1316R) at the protein level, and results in the change of a Histidine to an Arginine (CAT>CGT). This variant has not, to our knowledge, been published in the literature as pathogenic or benign. NF1 His1316Arg was not observed at a significant allele frequency in large population cohorts (Lek 2016). This variant is located in the GTPase activating protein domain (Thomas 2012, Luo 2014). In silico analysis, which includes protein predictors and evolutionary conservation, supports a deleterious effect. Based on currently available evidence, it is unclear whether NF1 His1316Arg is a pathogenic or benign variant. We consider it to be a variant of uncertain significance.

PreventionGenetics, part of Exact Sciences
Classification: Uncertain significance for NF1-related condition. Last evaluated: 2024-04-04. Review status: no assertion criteria provided. Collection method: clinical testing. Allele origin: germline. Not counted in ClinVar's aggregate classification.
Comment: The NF1 c.3947A>G variant is predicted to result in the amino acid substitution p.His1316Arg. To our knowledge, this variant has not been reported in the literature. This variant is reported in 0.0062% of alleles in individuals of African descent in gnomAD and has been interpreted as uncertain in ClinVar. At this time, the clinical significance of this variant is uncertain due to the absence of conclusive functional and genetic evidence.

NM_001042492.3(NF1):c.3947A>G (p.His1316Arg)

Gene: NF1 (neurofibromin 1; plus strand). Cytogenetic location: 17q11.2.
Variant type: single nucleotide variant.
Coding change: c.3947A>G on transcript NM_001042492.3 (MANE Select); coding-DNA position 3947, A replaced by G.
Protein change: p.His1316Arg; replaces histidine 1316 with arginine.
Molecular consequence: missense variant.
Genome position (GRCh38, 1-based): chr17:31,235,994, A>G. VCF-style: chr17-31235994-A-G. GRCh37 (hg19) VCF-style: chr17-29563012-A-G.
Other names: c.3947A>G, p.His1316Arg (NM_000267.4); short protein forms H1316R.
Identifiers: ClinVar variation 527579 (VCV000527579.16), dbSNP rs751023085, ClinGen allele CA289340347.